The following is an entry in ClinVar:

ClinVar aggregate classification (germline): Uncertain significance (1 of 4 stars; one submission).

Conditions:
Aicardi-Goutieres syndrome 4. Identifiers: Orphanet 51, MedGen C1835912, MONDO:0012472, OMIM 610333.

gnomAD v4.1: 3 of 1,613,816 alleles (0.00019%); highest among the groups gnomAD compares: Non-Finnish European, 0.00025%; no homozygotes.

Submission:

Labcorp Genetics (formerly Invitae), Labcorp
Classification: Uncertain significance for Aicardi-Goutieres syndrome 4. Last evaluated: 2025-07-21. Review status: criteria provided, single submitter. Criteria: Invitae Variant Classification Sherloc (09022015). Collection method: clinical testing. Allele origin: germline.
Comment: This sequence change replaces glycine, which is neutral and non-polar, with arginine, which is basic and polar, at codon 292 of the RNASEH2A protein (p.Gly292Arg). This variant is not present in population databases (gnomAD no frequency). This variant has not been reported in the literature in individuals affected with RNASEH2A-related conditions. ClinVar contains an entry for this variant (Variation ID: 2004339). An algorithm developed to predict the effect of missense changes on protein structure and function (PolyPhen-2) suggests that this variant is likely to be tolerated. In summary, the available evidence is currently insufficient to determine the role of this variant in disease. Therefore, it has been classified as a Variant of Uncertain Significance.

NM_006397.3(RNASEH2A):c.874G>C (p.Gly292Arg)

Gene: RNASEH2A (ribonuclease H2 subunit A; plus strand). Cytogenetic location: 19p13.13.
Variant type: single nucleotide variant.
Coding change: c.874G>C on transcript NM_006397.3 (MANE Select); coding-DNA position 874, G replaced by C.
Protein change: p.Gly292Arg; replaces glycine 292 with arginine.
Molecular consequence: missense variant.
Genome position (GRCh38, 1-based): chr19:12,813,440, G>C. VCF-style: chr19-12813440-G-C. GRCh37 (hg19) VCF-style: chr19-12924254-G-C.
Other names: short protein forms G292R.
Identifiers: ClinVar variation 2004339 (VCV002004339.4), dbSNP rs768346345, ClinGen allele CA404270025.
Genomic context (GRCh38, chr19:12,813,440, plus strand): 5'-TTCCTCAATGAAGGGTCCCAAGCCCGTCCCCGTTCTTCCCACCGATATTTCCTGGAACGC[G>C]GCCTGGAGTCAGCAACCAGCCTCTAGCAGCTGCCTCTACGCGCTCTACCTGCTTCCCCAA-3'
Protein context (NP_006388.2, residues 282-299): RSSHRYFLER[Gly292Arg]LESATSL